The following is an entry in ClinVar:

ClinVar aggregate classification (germline): Conflicting classifications of pathogenicity. Review status: criteria provided, conflicting classifications (1 of 4 stars). 4 submissions from 4 submitters: Uncertain significance (3); Likely benign (1). Last evaluated 2026-07-20.

Conditions:
CD3D-related disorder. Also called: CD3D-related condition.
Immunodeficiency 19 (IMD19). Also called: IMMUNODEFICIENCY 19, SEVERE COMBINED; CD3-DELTA DEFICIENCY; SEVERE COMBINED IMMUNODEFICIENCY, T CELL-NEGATIVE, B CELL-POSITIVE, NK CELL-POSITIVE; SCID, T CELL-NEGATIVE, B CELL-POSITIVE, NK CELL-POSITIVE. Identifiers: MedGen C3810147, MONDO:0014280, OMIM 615617.
Severe combined immunodeficiency disease. Also called: Severe Combined Immune Deficiency; Severe combined immunodeficiency. Identifiers: Orphanet 183660, MedGen C0085110, MeSH D016511, MONDO:0015974, HP:0004430. Inheritance: X-Linked or Autosomal recessive.

Allele frequency attached by ClinVar (database versions not stated): ExAC 0.00008; gnomAD 0.00012 and 0.00013; gnomAD exomes 0.00018.
gnomAD v4.1: 121 of 1,613,576 alleles (0.0075%); highest among the groups gnomAD compares: Admixed American, 0.14%; no homozygotes.

Submissions (4):

PreventionGenetics, part of Exact Sciences
Classification: Likely benign for CD3D-related condition. Last evaluated: 2026-07-20. Review status: criteria provided, single submitter. Criteria: ACMG Guidelines, 2015. Collection method: clinical testing. Allele origin: germline.
Comment: This variant is classified as likely benign based on ACMG/AMP sequence variant interpretation guidelines (Richards et al. 2015 PMID: 25741868, with internal and published modifications).

Labcorp Genetics (formerly Invitae), Labcorp
Classification: Uncertain significance for Immunodeficiency 19. Last evaluated: 2022-09-27. Review status: criteria provided, single submitter. Criteria: Invitae Variant Classification Sherloc (09022015). Collection method: clinical testing. Allele origin: germline.
Comment: This sequence change falls in intron 4 of the CD3D gene. It does not directly change the encoded amino acid sequence of the CD3D protein. It affects a nucleotide within the consensus splice site. This variant is present in population databases (rs193922617, gnomAD 0.1%). This variant has not been reported in the literature in individuals affected with CD3D-related conditions. ClinVar contains an entry for this variant (Variation ID: 35805). Variants that disrupt the consensus splice site are a relatively common cause of aberrant splicing (PMID: 17576681, 9536098). Algorithms developed to predict the effect of sequence changes on RNA splicing suggest that this variant is not likely to affect RNA splicing. In summary, the available evidence is currently insufficient to determine the role of this variant in disease. Therefore, it has been classified as a Variant of Uncertain Significance.

Center for Genomics, Ann and Robert H. Lurie Children's Hospital of Chicago
Classification: Uncertain significance for Immunodeficiency 19. Last evaluated: 2022-09-01. Review status: criteria provided, single submitter. Criteria: ACMG Guidelines, 2015. Collection method: clinical testing. Allele origin: germline.
Comment: This variant has not been reported in the literature but is present in the Genome Aggregation Database (Highest reported MAF 0.1% (15/15230). This variant is present in ClinVar (Variation ID:35805). Evolutionary conservation and computational predictive tools for this variant are limited or unavailable. This variant is an intronic variant with no predicted change in the amino acid sequence but may have an unknown effect on splicing. Splice prediction tools do not suggest that this variant may affect splicing. However, further studies are needed to understand its impact. In summary, data on this variant is insufficient for disease classification. Therefore, the clinical significance of this variant is uncertain.

Women's Health and Genetics/Laboratory Corporation of America, LabCorp
Classification: Uncertain significance for SCID. Last evaluated: 2011-08-18. Review status: criteria provided, single submitter. Criteria: LabCorp Variant Classification Summary - May 2015. Collection method: curation, clinical testing. Allele origin: germline. Inheritance: autosomal unknown. Affected: yes.
ClinVar note: Converted during submission from uncertain to Uncertain significance.

Literature cited by the submitters: PubMed 17576681 (cited by Labcorp Genetics (formerly Invitae), Labcorp); PubMed 9536098 (cited by Labcorp Genetics (formerly Invitae), Labcorp).

NM_000732.6(CD3D):c.450+6C>T

Gene: CD3D (CD3 delta subunit of T-cell receptor complex; minus strand). Cytogenetic location: 11q23.3.
Variant type: single nucleotide variant.
Coding change: c.450+6C>T on transcript NM_000732.6 (MANE Select); 6 bases into the intron after coding-DNA position 450, C replaced by T.
Molecular consequence: intron variant.
Genome position (GRCh38, 1-based): chr11:118,339,445, G>A on the plus strand (C>T on the coding strand, the complement: CD3D is on the minus strand). VCF-style: chr11-118339445-G-A. GRCh37 (hg19) VCF-style: chr11-118210160-G-A.
Other names: c.318+6C>T (NM_001040651.2).
Identifiers: ClinVar variation 35805 (VCV000035805.10), dbSNP rs193922617, ClinGen allele CA213608.